The following is an entry in ClinVar:

ClinVar aggregate classification (germline): Likely pathogenic (1 of 4 stars; one submission).

Conditions:
Spermatogenic failure 96. Identifiers: MedGen C5975503, MONDO:0975842, OMIM 621001.
Premature ovarian failure 25. Identifiers: MedGen C5975510, MONDO:0975843, OMIM 621002.

gnomAD v4.1: 1 of 1,609,712 alleles (0.000062%); highest among the groups gnomAD compares: South Asian, 0.0011%; no homozygotes.

Submission:

First Genomix Gene Laboratory, Genetic Diagnostics Department
Classification: Likely pathogenic for Premature ovarian failure 25; Spermatogenic failure 96. Last evaluated: 2025-08-01. Review status: criteria provided, single submitter. Criteria: ACMG Guidelines, 2015. Collection method: clinical testing. Allele origin: germline. Inheritance: Autosomal recessive inheritance. Affected: no. Observed: 1 variant allele.

NM_001170698.2(SPATA22):c.88C>T (p.Gln30Ter)

Gene: SPATA22 (spermatogenesis associated 22; minus strand). Cytogenetic location: 17p13.2.
Variant type: single nucleotide variant.
Coding change: c.88C>T on transcript NM_001170698.2 (MANE Select); coding-DNA position 88, C replaced by T.
Protein change: p.Gln30Ter; replaces glutamine 30 with a stop codon.
Molecular consequence: nonsense. On other transcripts: intron variant (1).
Genome position (GRCh38, 1-based): chr17:3,467,510, G>A on the plus strand (C>T on the coding strand, the complement: SPATA22 is on the minus strand). VCF-style: chr17-3467510-G-A. GRCh37 (hg19) VCF-style: chr17-3370804-G-A.
Other names: c.88C>T, p.Gln30Ter (NM_001170695.2, NM_001170697.2, NM_001170699.2 and 3 more transcripts); c.43+1773C>T (NM_001170696.2); short protein forms Q30*.
Identifiers: ClinVar variation 4850577 (VCV004850577.1).